The following is an entry in ClinVar:

NM_002470.4(MYH3):c.1795A>G (p.Lys599Glu)

Gene: MYH3 (myosin heavy chain 3; minus strand). Cytogenetic location: 17p13.1.
Variant type: single nucleotide variant.
Coding change: c.1795A>G on transcript NM_002470.4 (MANE Select); coding-DNA position 1795, A replaced by G.
Protein change: p.Lys599Glu; replaces lysine 599 with glutamic acid.
Molecular consequence: missense variant.
Genome position (GRCh38, 1-based): chr17:10,642,510, T>C on the plus strand (A>G on the coding strand, the complement: MYH3 is on the minus strand). VCF-style: chr17-10642510-T-C. GRCh37 (hg19) VCF-style: chr17-10545827-T-C.
Other names: short protein forms K599E.
Identifiers: ClinVar variation 2815338 (VCV002815338.3), dbSNP rs2508611914, ClinGen allele CA398171056.
Genomic context (GRCh38, chr17:10,642,510, plus strand): 5'-CCAGGAGCCTGTTGGAAGACTTCTGGTACAGCCCAACCACAGTCTCGTTCAGAGGGTCCT[T>C]GTTCTTCTCCAGCCAACCTGAGACACTGTAGTCCACGGTGCCCGCATAGTGGATCAGTGA-3'
Protein context (NP_002461.2, residues 589-609): YSVSGWLEKN[Lys599Glu]DPLNETVVGL

ClinVar aggregate classification (germline): Uncertain significance (1 of 4 stars; one submission).

Submission:

Labcorp Genetics (formerly Invitae), Labcorp
Classification: Uncertain significance. Last evaluated: 2022-11-19. Review status: criteria provided, single submitter. Criteria: Invitae Variant Classification Sherloc (09022015). Collection method: clinical testing. Allele origin: germline.
Comment: This sequence change replaces lysine, which is basic and polar, with glutamic acid, which is acidic and polar, at codon 599 of the MYH3 protein (p.Lys599Glu). In summary, the available evidence is currently insufficient to determine the role of this variant in disease. Therefore, it has been classified as a Variant of Uncertain Significance. Algorithms developed to predict the effect of missense changes on protein structure and function (SIFT, PolyPhen-2, Align-GVGD) all suggest that this variant is likely to be disruptive. This variant has not been reported in the literature in individuals affected with MYH3-related conditions. This variant is not present in population databases (gnomAD no frequency).